The following is an entry in ClinVar:

NM_001161352.2(KCNMA1):c.411G>C (p.Gln137His)

Gene: KCNMA1 (potassium calcium-activated channel subfamily M alpha 1; minus strand). Cytogenetic location: 10q22.3.
Variant type: single nucleotide variant.
Coding change: c.411G>C on transcript NM_001161352.2 (MANE Select); coding-DNA position 411, G replaced by C.
Protein change: p.Gln137His; replaces glutamine 137 with histidine.
Molecular consequence: missense variant. On other transcripts: intron variant (1).
Genome position (GRCh38, 1-based): chr10:77,403,991, C>G on the plus strand (G>C on the coding strand, the complement: KCNMA1 is on the minus strand). VCF-style: chr10-77403991-C-G. GRCh37 (hg19) VCF-style: chr10-79163749-C-G.
Other names: c.411G>C, p.Gln137His (NM_001014797.3, NM_001161353.2, NM_001271519.2 and 7 more transcripts); c.379-152735G>C (NM_001271518.2); short protein forms Q137H.
Identifiers: ClinVar variation 1402650 (VCV001402650.8), dbSNP rs1171292177, ClinGen allele CA377411197.
Genomic context (GRCh38, chr10:77,403,991, plus strand): 5'-GCCGACCTCGGCGGCCACTGCCTCCTCTTTTTCATCCACTGGTTTGAGAGTGCCATCCGC[C>G]TGGCTTGAGCCATTGTTAATCTTCTGGGCCTCCTGGCAACAGAGAGAGCAAGAGTTAAGA-3'
Protein context (NP_001154824.1, residues 127-147): EAQKINNGSS[Gln137His]ADGTLKPVDE

ClinVar aggregate classification (germline): Uncertain significance (1 of 4 stars; one submission).

Conditions:
Generalized epilepsy-paroxysmal dyskinesia syndrome (PNKD3). Also called: Paroxysmal nonkinesigenic dyskinesia, 3, with or without generalized epilepsy; Generalized epilepsy and paroxysmal dyskinesia. Identifiers: Orphanet 79137, MedGen C5574945, MONDO:0012276, OMIM 609446.

Allele frequency attached by ClinVar (database versions not stated): TOPMed below 0.00001.

Submission:

Labcorp Genetics (formerly Invitae), Labcorp
Classification: Uncertain significance for Generalized epilepsy-paroxysmal dyskinesia syndrome. Last evaluated: 2021-03-09. Review status: criteria provided, single submitter. Criteria: Invitae Variant Classification Sherloc (09022015). Collection method: clinical testing. Allele origin: germline.
Comment: This variant is not present in population databases (ExAC no frequency). This sequence change replaces glutamine with histidine at codon 137 of the KCNMA1 protein (p.Gln137His). The glutamine residue is moderately conserved and there is a small physicochemical difference between glutamine and histidine. This variant has not been reported in the literature in individuals with KCNMA1-related conditions. Algorithms developed to predict the effect of missense changes on protein structure and function (SIFT, PolyPhen-2, Align-GVGD) all suggest that this variant is likely to be tolerated, but these predictions have not been confirmed by published functional studies and their clinical significance is uncertain. In summary, the available evidence is currently insufficient to determine the role of this variant in disease. Therefore, it has been classified as a Variant of Uncertain Significance.